The following is an entry in ClinVar:

ClinVar aggregate classification (germline): Uncertain significance. Review status: criteria provided, multiple submitters, no conflicts (2 of 4 stars). 2 submissions from 2 submitters: Uncertain significance (2). Last evaluated 2026-07-01.

gnomAD v4.1: 10 of 1,614,022 alleles (0.00062%); highest among the groups gnomAD compares: Non-Finnish European, 0.00076%; no homozygotes.

Submissions (2):

CeGaT Center for Human Genetics Tuebingen
Classification: Uncertain significance. Last evaluated: 2026-07-01. Review status: criteria provided, single submitter. Criteria: CeGaT Center For Human Genetics Tuebingen Variant Classification Criteria Version 2. Collection method: clinical testing. Allele origin: germline. Affected: yes. Observed: 1 variant allele.
Comment: PKLR: PM2, PP3

ARUP Laboratories, Molecular Genetics and Genomics, ARUP Laboratories
Classification: Uncertain significance. Last evaluated: 2024-10-15. Review status: criteria provided, single submitter. Criteria: ARUP Molecular Germline Variant Investigation Process 2024. Collection method: clinical testing. Allele origin: germline.
Comment: The PKLR c.1144C>T; p.Arg382Trp (rs140964046), to our knowledge, is not reported in the medical literature or gene specific databases. This variant is only observed on one allele in the Genome Aggregation Database (v2.1.1), indicating it is not a common polymorphism. However, an alternative change at this codon (c.1145G>C, p.Arg382Pro) has been reported as a compound heterozygous variant in an individual with hyperbilirubinemia due to pyruvate kinase deficiency (Wang 2020). Computational analyses predict that Arg382Trp variant is deleterious (REVEL: 0.918). Due to limited information, the clinical significance of Arg382Trp variant is uncertain at this time. References: Wang Y et al. [Erythropyruvate kinase deficiency caused by a new mutation of PKLR gene: a case report]. Zhonghua Xue Ye Xue Za Zhi. 2020 Jun 14. PMID: 32654470.

NM_000298.6(PKLR):c.1144C>T (p.Arg382Trp)

Gene: PKLR (pyruvate kinase L/R; minus strand). Cytogenetic location: 1q22.
Variant type: single nucleotide variant.
Coding change: c.1144C>T on transcript NM_000298.6 (MANE Select); coding-DNA position 1144, C replaced by T.
Protein change: p.Arg382Trp; replaces arginine 382 with tryptophan.
Molecular consequence: missense variant.
Genome position (GRCh38, 1-based): chr1:155,293,563, G>A on the plus strand (C>T on the coding strand, the complement: PKLR is on the minus strand). VCF-style: chr1-155293563-G-A. GRCh37 (hg19) VCF-style: chr1-155263354-G-A.
Other names: c.1051C>T, p.Arg351Trp (NM_181871.4); short protein forms R351W, R382W.
Identifiers: ClinVar variation 3766898 (VCV003766898.2).